The following is an entry in ClinVar:

NM_172107.4(KCNQ2):c.1302-1G>A

Gene: KCNQ2 (potassium voltage-gated channel subfamily Q member 2; minus strand). Cytogenetic location: 20q13.33.
Variant type: single nucleotide variant.
Coding change: c.1302-1G>A on transcript NM_172107.4 (MANE Select); the canonical splice acceptor site of the intron before coding-DNA position 1302, G replaced by A.
Molecular consequence: splice acceptor variant. On other transcripts: intron variant (1).
Genome position (GRCh38, 1-based): chr20:63,415,127, C>T on the plus strand (G>A on the coding strand, the complement: KCNQ2 is on the minus strand). VCF-style: chr20-63415127-C-T. GRCh37 (hg19) VCF-style: chr20-62046480-C-T.
Other names: c.1218-1G>A (NM_004518.6); c.1248-37G>A (NM_172108.5); c.1248-1G>A (NM_172106.3, NM_001382235.1).
Identifiers: ClinVar variation 2770956 (VCV002770956.3), dbSNP rs118192225, ClinGen allele CA409646987.

ClinVar aggregate classification (germline): Likely pathogenic (1 of 4 stars; one submission).

Conditions:
Early-infantile DEE. Also called: Ohtahara syndrome; Early infantile epileptic encephalopathy; Early infantile epileptic encephalopathy with suppression bursts. Identifiers: Orphanet 1934, MedGen C0393706, MONDO:0800491.

Submission:

Labcorp Genetics (formerly Invitae), Labcorp
Classification: Likely pathogenic for Early-infantile DEE. Last evaluated: 2023-12-21. Review status: criteria provided, single submitter. Criteria: Invitae Variant Classification Sherloc (09022015). Collection method: clinical testing. Allele origin: germline.
Comment: This sequence change affects an acceptor splice site in intron 12 of the KCNQ2 gene. It is expected to disrupt RNA splicing. Variants that disrupt the donor or acceptor splice site typically lead to a loss of protein function (PMID: 16199547), and loss-of-function variants in KCNQ2 are known to be pathogenic (PMID: 14534157, 23692823, 27779742). This variant is not present in population databases (gnomAD no frequency). This variant has not been reported in the literature in individuals affected with KCNQ2-related conditions. Algorithms developed to predict the effect of sequence changes on RNA splicing suggest that this variant may disrupt the consensus splice site. In summary, the currently available evidence indicates that the variant is pathogenic, but additional data are needed to prove that conclusively. Therefore, this variant has been classified as Likely Pathogenic.

Literature cited by the submitters: PubMed 16199547; PubMed 14534157; PubMed 23692823; PubMed 27779742.